The following is an entry in ClinVar:

ClinVar aggregate classification (germline): Uncertain significance (1 of 4 stars; one submission).

gnomAD v4.1: 2 of 1,614,060 alleles (0.00012%); highest among the groups gnomAD compares: African/African-American, 0.0027%; no homozygotes.

Submission:

Ambry Genetics
Classification: Uncertain significance. Last evaluated: 2023-05-21. Review status: criteria provided, single submitter. Criteria: Ambry Variant Classification Scheme 2023. Collection method: clinical testing. Allele origin: germline.
Comment: The p.R895S variant (also known as c.2683C>A), located in coding exon 1 of the MLH3 gene, results from a C to A substitution at nucleotide position 2683. The arginine at codon 895 is replaced by serine, an amino acid with dissimilar properties. This amino acid position is conserved. In addition, this alteration is predicted to be tolerated by in silico analysis. Since supporting evidence is limited at this time, the clinical significance of this alteration remains unclear.

NM_001040108.2(MLH3):c.2683C>A (p.Arg895Ser)

Gene: MLH3 (mutL homolog 3; minus strand). Cytogenetic location: 14q24.3.
Variant type: single nucleotide variant.
Coding change: c.2683C>A on transcript NM_001040108.2 (MANE Select); coding-DNA position 2683, C replaced by A.
Protein change: p.Arg895Ser; replaces arginine 895 with serine.
Molecular consequence: missense variant.
Genome position (GRCh38, 1-based): chr14:75,046,973, G>T on the plus strand (C>A on the coding strand, the complement: MLH3 is on the minus strand). VCF-style: chr14-75046973-G-T. GRCh37 (hg19) VCF-style: chr14-75513676-G-T.
Other names: c.2683C>A, p.Arg895Ser (NM_014381.3); short protein forms R895S.
Identifiers: ClinVar variation 2563569 (VCV002563569.2), dbSNP rs780735533, ClinGen allele CA390439059.